The following is an entry in ClinVar:

NM_000252.3(MTM1):c.1729G>A (p.Ala577Thr)

Gene: MTM1 (myotubularin 1; plus strand). Cytogenetic location: Xq28.
Variant type: single nucleotide variant.
Coding change: c.1729G>A on transcript NM_000252.3 (MANE Select); coding-DNA position 1729, G replaced by A.
Protein change: p.Ala577Thr; replaces alanine 577 with threonine.
Molecular consequence: missense variant.
Genome position (GRCh38, 1-based): chrX:150,671,512, G>A. VCF-style: chrX-150671512-G-A. GRCh37 (hg19) VCF-style: chrX-149839985-G-A.
Other names: c.1726G>A, p.Ala576Thr (NM_001376906.1); c.1618G>A, p.Ala540Thr (NM_001376907.1); c.1729G>A, p.Ala577Thr (NM_001376908.1); short protein forms A540T, A577T, A576T.
Identifiers: ClinVar variation 744195 (VCV000744195.17), dbSNP rs148195763, ClinGen allele CA10539320.

ClinVar aggregate classification (germline): Conflicting classifications of pathogenicity. Review status: criteria provided, conflicting classifications (1 of 4 stars). 4 submissions from 4 submitters: Uncertain significance (1); Benign (1); Likely benign (1). 1 of the submissions does not count toward it. Last evaluated 2026-06-19.

Conditions:
Inborn genetic diseases. Identifiers: MedGen C0950123, MeSH D030342.
MTM1-related disorder. Also called: MTM1-related condition.
Severe X-linked myotubular myopathy (CNMX). Also called: Myotubular myopathy, X-linked; MYOTUBULAR MYOPATHY 1; X-linked centronuclear myopathy. Identifiers: Orphanet 596, MedGen C0410203, MONDO:0010683, OMIM 310400.

Allele frequency attached by ClinVar (database versions not stated): gnomAD 0.00006; TOPMed 0.00013; ESP Exome Variant Server 0.00019; 1000 Genomes Project 30x 0.00021; 1000 Genomes Project 0.00026.
gnomAD v4.1: 23 of 1,208,588 alleles (0.0019%); highest among the groups gnomAD compares: African/African-American, 0.028%; no homozygotes.

Submissions (4):

PreventionGenetics, part of Exact Sciences
Classification: Likely benign for MTM1-related condition. Last evaluated: 2026-06-19. Review status: criteria provided, single submitter. Criteria: ACMG Guidelines, 2015. Collection method: clinical testing. Allele origin: germline.
Comment: This variant is classified as likely benign based on ACMG/AMP sequence variant interpretation guidelines (Richards et al. 2015 PMID: 25741868, with internal and published modifications).

Ambry Genetics
Classification: Uncertain significance for Inborn genetic diseases. Last evaluated: 2025-01-30. Review status: criteria provided, single submitter. Criteria: Ambry Variant Classification Scheme 2023. Collection method: clinical testing. Allele origin: germline.

Labcorp Genetics (formerly Invitae), Labcorp
Classification: Benign for Severe X-linked myotubular myopathy. Last evaluated: 2025-01-29. Review status: criteria provided, single submitter. Criteria: Invitae Variant Classification Sherloc (09022015). Collection method: clinical testing. Allele origin: germline.

Natera, Inc.
Classification: Likely benign for Severe X-linked myotubular myopathy. Last evaluated: 2020-03-16. Review status: no assertion criteria provided. Collection method: clinical testing. Allele origin: germline. Not counted in ClinVar's aggregate classification.